The following is an entry in ClinVar:

ClinVar aggregate classification (germline): Likely benign (1 of 4 stars; one submission).

Submission:

GeneDx
Classification: Likely benign. Last evaluated: 2017-11-09. Review status: criteria provided, single submitter. Criteria: GeneDx Variant Classification (06012015). Collection method: clinical testing. Allele origin: germline. Affected: yes.
Comment: This variant is considered likely benign or benign based on one or more of the following criteria: it is a conservative change, it occurs at a poorly conserved position in the protein, it is predicted to be benign by multiple in silico algorithms, and/or has population frequency not consistent with disease.

NM_000136.3(FANCC):c.606T>C (p.Ala202=)

Genes: FANCC (FA complementation group C; minus strand), AOPEP (aminopeptidase O (putative); plus strand). Cytogenetic location: 9q22.32.
Variant type: single nucleotide variant.
Coding change: c.606T>C on transcript NM_000136.3 (MANE Select); coding-DNA position 606, T replaced by C.
Protein change: p.Ala202=; no amino-acid change (alanine 202 retained).
Molecular consequence: synonymous variant.
Genome position (GRCh38, 1-based): chr9:95,150,003, A>G on the plus strand (T>C on the coding strand, the complement: FANCC is on the minus strand). VCF-style: chr9-95150003-A-G. GRCh37 (hg19) VCF-style: chr9-97912285-A-G.
Other names: c.606T>C, p.Ala202= (NM_001243743.2, NM_001243744.2).
Identifiers: ClinVar variation 513286 (VCV000513286.1), dbSNP rs1554838555, ClinGen allele CA466103146.